The following is an entry in ClinVar:

ClinVar aggregate classification (germline): Likely pathogenic (1 of 4 stars; one submission).

Conditions:
Dilated cardiomyopathy 1G (CMD1G). Identifiers: Orphanet 154, MedGen C1858763, MONDO:0011400, OMIM 604145.
Autosomal recessive limb-girdle muscular dystrophy type 2J (LGMDR10). Also called: Limb-girdle muscular dystrophy, type 2J; MUSCULAR DYSTROPHY, LIMB-GIRDLE, AUTOSOMAL RECESSIVE 10. Identifiers: Orphanet 140922, MedGen C1837342, MONDO:0012127, OMIM 608807.

Submission:

Labcorp Genetics (formerly Invitae), Labcorp
Classification: Likely pathogenic for Dilated cardiomyopathy 1G; Autosomal recessive limb-girdle muscular dystrophy type 2J. Last evaluated: 2022-04-25. Review status: criteria provided, single submitter. Criteria: Invitae Variant Classification Sherloc (09022015). Collection method: clinical testing. Allele origin: germline.
Comment: This variant is located in the A band of TTN (PMID: 25589632). Truncating variants in this region are significantly overrepresented in patients affected with dilated cardiomyopathy (PMID: 25589632). Truncating variants in this region have also been reported in individuals affected with autosomal recessive centronuclear myopathy (PMID: 23975875). This variant has not been reported in the literature in individuals affected with TTN-related conditions. This variant is not present in population databases (gnomAD no frequency). This sequence change creates a premature translational stop signal (p.Asn18967Serfs*17) in the TTN gene. While this is not anticipated to result in nonsense mediated decay, it is expected to create a truncated TTN protein. In summary, the currently available evidence indicates that the variant is pathogenic, but additional data are needed to prove that conclusively. Therefore, this variant has been classified as Likely Pathogenic.

Literature cited by the submitters: PubMed 25589632; PubMed 23975875.

NM_001267550.2(TTN):c.56900_56901del (p.Asn18967fs)

Genes: TTN (titin; minus strand), TTN-AS1 (TTN antisense RNA 1; plus strand). Cytogenetic location: 2q31.2.
Variant type: Deletion.
Coding change: c.56900_56901del on transcript NM_001267550.2 (MANE Select); coding-DNA positions 56900 to 56901, 2 bases deleted (AT; older notation c.56900_56901delAT).
Protein change: p.Asn18967fs; shifts the reading frame from asparagine 18967.
Molecular consequence: frameshift variant.
Genome position (GRCh38, 1-based): chr2:178,598,809-178,598,810, AT deleted on the plus strand (AT on the coding strand, the reverse complement: TTN is on the minus strand). VCF-style (leftmost placement, unchanged base first): chr2-178598808-CAT-C. GRCh37 (hg19) VCF-style: chr2-179463535-CAT-C.
Other names: c.51977_51978del, p.Asn17326fs (NM_001256850.1); c.29705_29706del, p.Asn9902fs (NM_003319.4); c.49196_49197del, p.Asn16399fs (NM_133378.4); c.30080_30081del, p.Asn10027fs (NM_133432.3); c.30281_30282del, p.Asn10094fs (NM_133437.4); short protein forms N17326fs, N10094fs, N9902fs, N10027fs, N16399fs, N18967fs.
Identifiers: ClinVar variation 2130526 (VCV002130526.4), dbSNP rs2469863486, ClinGen allele CA2580064850.